The following is an entry in ClinVar:

ClinVar aggregate classification (germline): Uncertain significance (1 of 4 stars; one submission).

Conditions:
Aortic aneurysm, familial thoracic 8 (AAT8). Identifiers: MedGen C3809513, MONDO:0014187, OMIM 615436.

Allele frequency attached by ClinVar (database versions not stated): gnomAD exomes below 0.00001.
gnomAD v4.1: 1 of 1,613,940 alleles (0.000062%); highest among the groups gnomAD compares: Non-Finnish European, 0.000085%; no homozygotes.

Submission:

Labcorp Genetics (formerly Invitae), Labcorp
Classification: Uncertain significance for Aortic aneurysm, familial thoracic 8. Last evaluated: 2020-07-16. Review status: criteria provided, single submitter. Criteria: Invitae Variant Classification Sherloc (09022015). Collection method: clinical testing. Allele origin: germline.
Comment: This sequence change replaces arginine with glycine at codon 269 of the PRKG1 protein (p.Arg269Gly). The arginine residue is moderately conserved and there is a moderate physicochemical difference between arginine and glycine. This variant is not present in population databases (ExAC no frequency). This variant has not been reported in the literature in individuals with PRKG1-related conditions. Algorithms developed to predict the effect of missense changes on protein structure and function are either unavailable or do not agree on the potential impact of this missense change (SIFT: "Deleterious"; PolyPhen-2: "Benign"; Align-GVGD: "Class C0"). In summary, the available evidence is currently insufficient to determine the role of this variant in disease. Therefore, it has been classified as a Variant of Uncertain Significance.

NM_006258.4(PRKG1):c.805A>G (p.Arg269Gly)

Gene: PRKG1 (protein kinase cGMP-dependent 1; plus strand). Cytogenetic location: 10q21.1.
Variant type: single nucleotide variant.
Coding change: c.805A>G on transcript NM_006258.4 (MANE Select); coding-DNA position 805, A replaced by G.
Protein change: p.Arg269Gly; replaces arginine 269 with glycine.
Molecular consequence: missense variant. On other transcripts: 5 prime UTR variant (1).
Genome position (GRCh38, 1-based): chr10:52,054,526, A>G. VCF-style: chr10-52054526-A-G. GRCh37 (hg19) VCF-style: chr10-53814286-A-G.
Other names: c.760A>G, p.Arg254Gly (NM_001098512.3); c.-405A>G (NM_001374781.1); c.805A>G, p.Arg269Gly (NM_001374782.1); short protein forms R254G, R269G.
Identifiers: ClinVar variation 1023487 (VCV001023487.8), dbSNP rs1846064148, ClinGen allele CA376533874.